The following is an entry in ClinVar:

NM_003721.4(RFXANK):c.677C>T (p.Pro226Leu)

Gene: RFXANK (regulatory factor X associated ankyrin containing protein; plus strand). Cytogenetic location: 19p13.11.
Variant type: single nucleotide variant.
Coding change: c.677C>T on transcript NM_003721.4 (MANE Select); coding-DNA position 677, C replaced by T.
Protein change: p.Pro226Leu; replaces proline 226 with leucine.
Molecular consequence: missense variant.
Genome position (GRCh38, 1-based): chr19:19,199,199, C>T. VCF-style: chr19-19199199-C-T. GRCh37 (hg19) VCF-style: chr19-19310008-C-T.
Other names: c.674C>T, p.Pro225Leu (NM_001370236.1, NM_001370237.1, NM_001370235.1); c.677C>T, p.Pro226Leu (NM_001370238.1, NM_001370233.1); c.608C>T, p.Pro203Leu (NM_134440.3, NM_001278728.2); c.611C>T, p.Pro204Leu (NM_001278727.2, NM_001370234.1); short protein forms P203L, P204L, P225L, P226L.
Identifiers: ClinVar variation 1016812 (VCV001016812.6), dbSNP rs377347305, ClinGen allele CA9322890.

ClinVar aggregate classification (germline): Uncertain significance (1 of 4 stars; one submission).

Conditions:
MHC class II deficiency. Also called: BLS, TYPE II; Bare lymphocyte syndrome 2. Identifiers: Orphanet 572, MedGen C5447452, MONDO:0008855.

Allele frequency attached by ClinVar (database versions not stated): gnomAD exomes 0.00002 and 0.00003; TOPMed 0.00002; gnomAD 0.00003; ExAC 0.00005; ESP Exome Variant Server 0.00008.
gnomAD v4.1: 31 of 1,613,890 alleles (0.0019%); highest among the groups gnomAD compares: Non-Finnish European, 0.0025%; no homozygotes.

Submission:

Labcorp Genetics (formerly Invitae), Labcorp
Classification: Uncertain significance for MHC class II deficiency. Last evaluated: 2022-07-13. Review status: criteria provided, single submitter. Criteria: Invitae Variant Classification Sherloc (09022015). Collection method: clinical testing. Allele origin: germline.
Comment: This sequence change replaces proline, which is neutral and non-polar, with leucine, which is neutral and non-polar, at codon 226 of the RFXANK protein (p.Pro226Leu). This variant is present in population databases (rs377347305, gnomAD 0.006%). This variant has not been reported in the literature in individuals affected with RFXANK-related conditions. ClinVar contains an entry for this variant (Variation ID: 1016812). Algorithms developed to predict the effect of missense changes on protein structure and function are either unavailable or do not agree on the potential impact of this missense change (SIFT: "Deleterious"; PolyPhen-2: "Possibly Damaging"; Align-GVGD: "Class C0"). In summary, the available evidence is currently insufficient to determine the role of this variant in disease. Therefore, it has been classified as a Variant of Uncertain Significance.